The following is an entry in ClinVar:

ClinVar aggregate classification (germline): Uncertain significance (1 of 4 stars; one submission).

Submission:

Ambry Genetics
Classification: Uncertain significance. Last evaluated: 2022-10-29. Review status: criteria provided, single submitter. Criteria: Ambry Variant Classification Scheme 2023. Collection method: clinical testing. Allele origin: germline.
Comment: The p.F415V variant (also known as c.1243T>G), located in coding exon 8 of the POLQ gene, results from a T to G substitution at nucleotide position 1243. The phenylalanine at codon 415 is replaced by valine, an amino acid with highly similar properties. This amino acid position is conserved. In addition, the in silico prediction for this alteration is inconclusive. Since supporting evidence is limited at this time, the clinical significance of this alteration remains unclear.

NM_199420.4(POLQ):c.1243T>G (p.Phe415Val)

Gene: POLQ (DNA polymerase theta; minus strand). Cytogenetic location: 3q13.33.
Variant type: single nucleotide variant.
Coding change: c.1243T>G on transcript NM_199420.4 (MANE Select); coding-DNA position 1243, T replaced by G.
Protein change: p.Phe415Val; replaces phenylalanine 415 with valine.
Molecular consequence: missense variant.
Genome position (GRCh38, 1-based): chr3:121,522,015, A>C on the plus strand (T>G on the coding strand, the complement: POLQ is on the minus strand). VCF-style: chr3-121522015-A-C. GRCh37 (hg19) VCF-style: chr3-121240862-A-C.
Other names: short protein forms F415V.
Identifiers: ClinVar variation 1758990 (VCV001758990.2), dbSNP rs2546811535, ClinGen allele CA354121286.